The following is an entry in ClinVar:

NM_004519.4(KCNQ3):c.*5255T>C

Gene: KCNQ3 (potassium voltage-gated channel subfamily Q member 3; minus strand). Cytogenetic location: 8q24.22.
Variant type: single nucleotide variant.
Coding change: c.*5255T>C on transcript NM_004519.4 (MANE Select); 5255 bases downstream of the stop codon, T replaced by C.
Molecular consequence: 3 prime UTR variant.
Genome position (GRCh38, 1-based): chr8:132,124,007, A>G on the plus strand (T>C on the coding strand, the complement: KCNQ3 is on the minus strand). VCF-style: chr8-132124007-A-G. GRCh37 (hg19) VCF-style: chr8-133136254-A-G.
Other names: c.*5255T>C (NM_001204824.2).
Identifiers: ClinVar variation 361795 (VCV000361795.7), dbSNP rs146830560, ClinGen allele CA10630160.

ClinVar aggregate classification (germline): Benign/Likely benign. Review status: criteria provided, multiple submitters, no conflicts (2 of 4 stars). 2 submissions from 2 submitters: Benign (1); Likely benign (1). Last evaluated 2018-01-13.

Conditions:
Seizures, benign familial neonatal, 2. Also called: CONVULSIONS, BENIGN FAMILIAL NEONATAL, 2; KCNQ3-Related Self-Limited Familial Neonatal Epilepsy (SLFNE); Benign Neonatal Epilepsy 2; KCNQ3-Related Benign Familial Neonatal Epilepsy; Seizures, benign neonatal, 2. Identifiers: Orphanet 1949, MedGen C1852581, MONDO:0007366, OMIM 121201.

Allele frequency attached by ClinVar (database versions not stated): 1000 Genomes Project 30x 0.00515; 1000 Genomes Project 0.00559; TOPMed 0.00954; gnomAD 0.00926 and 0.00938.

Submissions (2):

Illumina Laboratory Services, Illumina
Classification: Benign for Seizures, benign familial neonatal, 2. Last evaluated: 2018-01-13. Review status: criteria provided, single submitter. Criteria: ICSL Variant Classification Criteria 13 December 2019. Collection method: clinical testing. Allele origin: germline.
Comment: This variant was observed in the ICSL laboratory as part of a predisposition screen in an ostensibly healthy population. It had not been previously curated by ICSL or reported in the Human Gene Mutation Database (HGMD: prior to June 1st, 2018), and was therefore a candidate for classification through an automated scoring system. Utilizing variant allele frequency, disease prevalence and penetrance estimates, and inheritance mode, an automated score was calculated to assess if this variant is too frequent to cause the disease. Based on the score and internal cut-off values, a variant classified as benign is not then subjected to further curation. The score for this variant resulted in a classification of benign for this disease.

Breakthrough Genomics
Classification: Likely benign. Review status: criteria provided, single submitter. Criteria: ACMG Guidelines, 2015. Collection method: not provided. Allele origin: germline. Inheritance: Autosomal dominant inheritance. Affected: yes.